The following is an entry in ClinVar:

NM_000090.4(COL3A1):c.2743G>A (p.Gly915Ser)

Gene: COL3A1 (collagen type III alpha 1 chain; plus strand). Cytogenetic location: 2q32.2.
Variant type: single nucleotide variant.
Coding change: c.2743G>A on transcript NM_000090.4 (MANE Select); coding-DNA position 2743, G replaced by A.
Protein change: p.Gly915Ser; replaces glycine 915 with serine.
Molecular consequence: missense variant.
Genome position (GRCh38, 1-based): chr2:189,004,063, G>A. VCF-style: chr2-189004063-G-A. GRCh37 (hg19) VCF-style: chr2-189868789-G-A.
Other names: short protein forms G915S.
Identifiers: ClinVar variation 1503866 (VCV001503866.6), dbSNP rs2153503498, ClinGen allele CA349844013.

ClinVar aggregate classification (germline): Likely pathogenic (1 of 4 stars; one submission).

Conditions:
Ehlers-Danlos syndrome, type 4 (EDSVASC). Also called: Ehlers-Danlos syndrome vascular type; Ehlers Danlos syndrome, ecchymotic type; Ehlers Danlos syndrome, arterial type; Ehlers Danlos syndrome, Sack-Barabas type; Ehlers-Danlos Syndrome Type IV. Identifiers: Orphanet 286, MedGen C0268338, MONDO:0017314, OMIM 130050.

Submission:

Labcorp Genetics (formerly Invitae), Labcorp
Classification: Likely pathogenic for Ehlers-Danlos syndrome, type 4. Last evaluated: 2024-02-18. Review status: criteria provided, single submitter. Criteria: Invitae Variant Classification Sherloc (09022015). Collection method: clinical testing. Allele origin: germline.
Comment: This sequence change replaces glycine, which is neutral and non-polar, with serine, which is neutral and polar, at codon 915 of the COL3A1 protein (p.Gly915Ser). This variant is not present in population databases (gnomAD no frequency). This missense change has been observed in individual(s) with clinical features of COL3A1-related conditions (Invitae). ClinVar contains an entry for this variant (Variation ID: 1503866). Advanced modeling of protein sequence and biophysical properties (such as structural, functional, and spatial information, amino acid conservation, physicochemical variation, residue mobility, and thermodynamic stability) performed at Invitae indicates that this missense variant is expected to disrupt COL3A1 protein function with a positive predictive value of 95%. This variant disrupts the triple helix domain of COL3A1. Glycine residues within the Gly-Xaa-Yaa repeats of the triple helix domain are required for the structure and stability of fibrillar collagens (PMID: 7695699, 8218237, 19344236). In COL3A1, variants that affect these glycine residues are significantly enriched in individuals with disease (PMID: 24922459, 25758994) compared to the general population (ExAC). In summary, the currently available evidence indicates that the variant is pathogenic, but additional data are needed to prove that conclusively. Therefore, this variant has been classified as Likely Pathogenic.

Literature cited by the submitters: PubMed 7695699; PubMed 8218237; PubMed 19344236; PubMed 24922459; PubMed 25758994.